The following is an entry in ClinVar:

NM_005481.3(MED16):c.2524_2528del (p.Arg842fs)

Gene: MED16 (mediator complex subunit 16; minus strand). Cytogenetic location: 19p13.3.
Variant type: Deletion.
Coding change: c.2524_2528del on transcript NM_005481.3 (MANE Select); coding-DNA positions 2524 to 2528, 5 bases deleted (AGAGC; older notation c.2524_2528delAGAGC).
Protein change: p.Arg842fs; shifts the reading frame from arginine 842.
Molecular consequence: frameshift variant.
Genome position (GRCh38, 1-based): chr19:868,207-868,211, GCTCT deleted on the plus strand (AGAGC on the coding strand, the reverse complement: MED16 is on the minus strand); deleting any 5 consecutive bases within chr19:868,207-868,214 gives the same sequence; the c. name uses the placement nearest the transcript's 3' end. VCF-style (leftmost placement, unchanged base first): chr19-868206-AGCTCT-A. GRCh37 (hg19) VCF-style: chr19-868206-AGCTCT-A.
Other names: short protein forms R842fs.
Identifiers: ClinVar variation 4814090 (VCV004814090.1).

ClinVar aggregate classification (germline): Uncertain significance (1 of 4 stars; one submission).

Conditions:
Guillouet-Gordon syndrome. Identifiers: MedGen C6012729, MONDO:0979227, OMIM 621220.

Submission:

OLLIN Analises Genomicas, OLLIN
Classification: Uncertain significance for Guillouet-Gordon syndrome. Last evaluated: 2026-02-13. Review status: criteria provided, single submitter. Criteria: ACMG Guidelines 2015 PMID 25741868. Collection method: clinical testing. Allele origin: germline. Observed: 1 variant allele.
Comment: PVS1_M, PM2_P